The following is an entry in ClinVar:

ClinVar aggregate classification (germline): Uncertain significance. Review status: criteria provided, multiple submitters, no conflicts (2 of 4 stars). 2 submissions from 2 submitters: Uncertain significance (2). Last evaluated 2025-12-28.

Conditions:
Inborn genetic diseases. Identifiers: MedGen C0950123, MeSH D030342.

Submissions (2):

Labcorp Genetics (formerly Invitae), Labcorp
Classification: Uncertain significance. Last evaluated: 2025-12-28. Review status: criteria provided, single submitter. Criteria: Invitae Variant Classification Sherloc (09022015). Collection method: clinical testing. Allele origin: germline.
Comment: This sequence change replaces methionine, which is neutral and non-polar, with valine, which is neutral and non-polar, at codon 168 of the HOXD13 protein (p.Met168Val). This variant is present in population databases (rs756710908, gnomAD 0.07%), and has an allele count higher than expected for a pathogenic variant. This variant has not been reported in the literature in individuals affected with HOXD13-related conditions. Invitae Evidence Modeling of protein sequence and biophysical properties (such as structural, functional, and spatial information, amino acid conservation, physicochemical variation, residue mobility, and thermodynamic stability) indicates that this missense variant is not expected to disrupt HOXD13 protein function with a negative predictive value of 80%. In summary, the available evidence is currently insufficient to determine the role of this variant in disease. Therefore, it has been classified as a Variant of Uncertain Significance.

Ambry Genetics
Classification: Uncertain significance for Inborn genetic diseases. Last evaluated: 2025-10-07. Review status: criteria provided, single submitter. Criteria: Ambry Variant Classification Scheme 2023. Collection method: clinical testing. Allele origin: germline.

NM_000523.4(HOXD13):c.502A>G (p.Met168Val)

Gene: HOXD13 (homeobox D13; plus strand). Cytogenetic location: 2q31.1.
Variant type: single nucleotide variant.
Coding change: c.502A>G on transcript NM_000523.4 (MANE Select); coding-DNA position 502, A replaced by G.
Protein change: p.Met168Val; replaces methionine 168 with valine.
Molecular consequence: missense variant.
Genome position (GRCh38, 1-based): chr2:176,093,392, A>G. VCF-style: chr2-176093392-A-G. GRCh37 (hg19) VCF-style: chr2-176958120-A-G.
Other names: short protein forms M168V.
Identifiers: ClinVar variation 4621663 (VCV004621663.2).